The following is an entry in ClinVar:

NM_032043.3(BRIP1):c.773A>G (p.Gln258Arg)

Gene: BRIP1 (BRCA1 interacting DNA helicase 1; minus strand). Cytogenetic location: 17q23.2.
Variant type: single nucleotide variant.
Coding change: c.773A>G on transcript NM_032043.3 (MANE Select); coding-DNA position 773, A replaced by G.
Protein change: p.Gln258Arg; replaces glutamine 258 with arginine.
Molecular consequence: missense variant.
Genome position (GRCh38, 1-based): chr17:61,808,612, T>C on the plus strand (A>G on the coding strand, the complement: BRIP1 is on the minus strand). VCF-style: chr17-61808612-T-C. GRCh37 (hg19) VCF-style: chr17-59885973-T-C.
Other names: short protein forms Q258R.
Identifiers: ClinVar variation 963156 (VCV000963156.11), dbSNP rs1567838078, ClinGen allele CA400484938.

ClinVar aggregate classification (germline): Uncertain significance. Review status: criteria provided, multiple submitters, no conflicts (2 of 4 stars). 2 submissions from 2 submitters: Uncertain significance (2). Last evaluated 2025-11-21.

Conditions:
Familial cancer of breast. Also called: Hereditary breast cancer; BREAST CANCER, FAMILIAL; hereditary breast carcinoma. Identifiers: Orphanet 227535, MedGen C0346153, MONDO:0016419, OMIM 114480. Disease mechanism: loss of function.
Fanconi anemia complementation group J. Also called: BRIP1-Related Fanconi Anemia. Identifiers: Orphanet 84, MedGen C1836860, MONDO:0012187, OMIM 609054.
Hereditary cancer-predisposing syndrome. Also called: Hereditary neoplastic syndrome; Tumor predisposition; Neoplastic Syndromes, Hereditary; Hereditary Cancer Syndrome. Identifiers: Orphanet 140162, MedGen C0027672, MeSH D009386, MONDO:0015356.

Allele frequency attached by ClinVar (database versions not stated): gnomAD 0.00001.
gnomAD v4.1: 1 of 1,613,906 alleles (0.000062%); highest among the groups gnomAD compares: Non-Finnish European, 0.000085%; no homozygotes.

Submissions (2):

Ambry Genetics
Classification: Uncertain significance for Hereditary cancer-predisposing syndrome. Last evaluated: 2025-11-21. Review status: criteria provided, single submitter. Criteria: Ambry Variant Classification Scheme 2023. Collection method: clinical testing. Allele origin: germline.
Comment: The p.Q258R variant (also known as c.773A>G), located in coding exon 6 of the BRIP1 gene, results from an A to G substitution at nucleotide position 773. The glutamine at codon 258 is replaced by arginine, an amino acid with highly similar properties. This amino acid position is conserved. In addition, this alteration is predicted to be deleterious by in silico analysis. Based on the available evidence, the clinical significance of this variant remains unclear.

Labcorp Genetics (formerly Invitae), Labcorp
Classification: Uncertain significance for Familial cancer of breast; Fanconi anemia complementation group J. Last evaluated: 2024-09-25. Review status: criteria provided, single submitter. Criteria: Invitae Variant Classification Sherloc (09022015). Collection method: clinical testing. Allele origin: germline.
Comment: This sequence change replaces glutamine, which is neutral and polar, with arginine, which is basic and polar, at codon 258 of the BRIP1 protein (p.Gln258Arg). This variant is not present in population databases (gnomAD no frequency). This variant has not been reported in the literature in individuals affected with BRIP1-related conditions. ClinVar contains an entry for this variant (Variation ID: 963156). Invitae Evidence Modeling of protein sequence and biophysical properties (such as structural, functional, and spatial information, amino acid conservation, physicochemical variation, residue mobility, and thermodynamic stability) indicates that this missense variant is expected to disrupt BRIP1 protein function with a positive predictive value of 80%. In summary, the available evidence is currently insufficient to determine the role of this variant in disease. Therefore, it has been classified as a Variant of Uncertain Significance.